The following is an entry in ClinVar:

NM_024753.5(TTC21B):c.2814_2815delinsAA (p.Leu938_Arg939=)

Gene: TTC21B (tetratricopeptide repeat domain 21B; minus strand). Cytogenetic location: 2q24.3.
Variant type: Indel.
Coding change: c.2814_2815delinsAA on transcript NM_024753.5 (MANE Select); coding-DNA positions 2814 to 2815, GC replaced by AA.
Protein change: p.Leu938_Arg939=.
Molecular consequence: synonymous variant.
Genome position (GRCh38, 1-based): chr2:165,899,823-165,899,824, GC replaced by TT on the plus strand (GC replaced by AA on the coding strand, the reverse complement: TTC21B is on the minus strand). VCF-style: chr2-165899823-GC-TT. GRCh37 (hg19) VCF-style: chr2-166756333-GC-TT.
Identifiers: ClinVar variation 1378915 (VCV001378915.4), dbSNP rs2105303218, ClinGen allele CA2573133466.

ClinVar aggregate classification (germline): Uncertain significance. Review status: criteria provided, multiple submitters, no conflicts (2 of 4 stars). 2 submissions from 2 submitters: Uncertain significance (2). Last evaluated 2024-01-15.

Conditions:
Nephronophthisis. Also called: Juvenile Nephronophthisis. Identifiers: Orphanet 655, MedGen C0687120, MONDO:0019005, HP:0000090.
Jeune thoracic dystrophy. Also called: Jeune syndrome; Infantile thoracic dystrophy; Thoracic pelvic phalangeal dystrophy; Jeune's syndrome; Chondroectodermal dysplasia-like syndrome; Short-rib thoracic dysplasia. Identifiers: Orphanet 474, MedGen C0265275, MONDO:0018770.
Asphyxiating thoracic dystrophy 4 (SRTD4). Also called: SHORT-RIB THORACIC DYSPLASIA 4 WITH OR WITHOUT POLYDACTYLY; SHORT-RIB THORACIC DYSPLASIA 4. Identifiers: Orphanet 474, MedGen C3151185, MONDO:0013441, OMIM 613819.
Nephronophthisis 12 (NPHP12). Identifiers: Orphanet 655, MedGen C3151186, MONDO:0013442, OMIM 613820.

Submissions (2):

Fulgent Genetics
Classification: Uncertain significance for Asphyxiating thoracic dystrophy 4; Nephronophthisis 12. Last evaluated: 2024-01-15. Review status: criteria provided, single submitter. Criteria: ACMG Guidelines, 2015. Collection method: clinical testing. Allele origin: germline.

Labcorp Genetics (formerly Invitae), Labcorp
Classification: Uncertain significance for Jeune thoracic dystrophy; Nephronophthisis. Last evaluated: 2022-07-26. Review status: criteria provided, single submitter. Criteria: Invitae Variant Classification Sherloc (09022015). Collection method: clinical testing. Allele origin: germline.
Comment: This sequence change affects codon 938 of the TTC21B mRNA. It is a 'silent' change, meaning that it does not change the encoded amino acid sequence of the TTC21B protein. Information on the frequency of this variant in the gnomAD database is not available, as this variant may be reported differently in the database. This variant has not been reported in the literature in individuals affected with TTC21B-related conditions. ClinVar contains an entry for this variant (Variation ID: 1378915). Algorithms developed to predict the effect of sequence changes on RNA splicing suggest that this variant may create or strengthen a splice site. In summary, the available evidence is currently insufficient to determine the role of this variant in disease. Therefore, it has been classified as a Variant of Uncertain Significance.